The following is an entry in ClinVar:

NM_018489.3(ASH1L):c.8386C>T (p.Arg2796Cys)

Gene: ASH1L (ASH1 like histone lysine methyltransferase; minus strand). Cytogenetic location: 1q22.
Variant type: single nucleotide variant.
Coding change: c.8386C>T on transcript NM_018489.3 (MANE Select); coding-DNA position 8386, C replaced by T.
Protein change: p.Arg2796Cys; replaces arginine 2796 with cysteine.
Molecular consequence: missense variant.
Genome position (GRCh38, 1-based): chr1:155,342,010, G>A on the plus strand (C>T on the coding strand, the complement: ASH1L is on the minus strand). VCF-style: chr1-155342010-G-A. GRCh37 (hg19) VCF-style: chr1-155311801-G-A.
Other names: c.8401C>T, p.Arg2801Cys (NM_001366177.2); short protein forms R2796C, R2801C.
Identifiers: ClinVar variation 1315728 (VCV001315728.3), dbSNP rs1298178532, ClinGen allele CA342724215.
Genomic context (GRCh38, chr1:155,342,010, plus strand): 5'-TGGGAGTGAGCTTCTTGGGGAAGTGATCAAAAGCATAGGGTTTGGTGCAGACAGGATAGC[G>A]GTTCCGGTGGATCTTGTAAAACAGGTGTGCTGACTTGTCAAGCCGATAATCACAGATGTA-3'
Protein context (NP_060959.2, residues 2786-2806): AHLFYKIHRN[Arg2796Cys]YPVCTKPYAF

ClinVar aggregate classification (germline): Uncertain significance. Review status: criteria provided, multiple submitters, no conflicts (2 of 4 stars). 2 submissions from 2 submitters: Uncertain significance (2). Last evaluated 2026-05-23.

Conditions:
Inborn genetic diseases. Identifiers: MedGen C0950123, MeSH D030342.

Allele frequency attached by ClinVar (database versions not stated): gnomAD 0.00001.
gnomAD v4.1: 13 of 1,613,968 alleles (0.00081%); highest among the groups gnomAD compares: South Asian, 0.0011%; no homozygotes.

Submissions (2):

Ambry Genetics
Classification: Uncertain significance for Inborn genetic diseases. Last evaluated: 2026-05-23. Review status: criteria provided, single submitter. Criteria: Ambry Variant Classification Scheme 2023. Collection method: clinical testing. Allele origin: germline.
Comment: The c.8386C>T (p.R2796C) alteration is located in exon 25 (coding exon 24) of the ASH1L gene. This alteration results from a C to T substitution at nucleotide position 8386, causing the arginine (R) at amino acid position 2796 to be replaced by a cysteine (C). Based on data from gnomAD, the T allele has an overall frequency of 0.003% (1/31400) total alleles studied. The highest observed frequency was 0.007% (1/15434) of European (non-Finnish) alleles. Based on insufficient or conflicting evidence, the clinical significance of this alteration remains unclear.

GeneDx
Classification: Uncertain significance. Last evaluated: 2019-10-03. Review status: criteria provided, single submitter. Criteria: GeneDx Variant Classification Process June 2021. Collection method: clinical testing. Allele origin: germline. Affected: yes.
Comment: In silico analysis, which includes protein predictors and evolutionary conservation, supports a deleterious effect; Has not been previously published as pathogenic or benign to our knowledge; De novo variant with confirmed parentage